The following is an entry in ClinVar:

NM_000077.5(CDKN2A):c.84G>A (p.Val28=)

Gene: CDKN2A (cyclin dependent kinase inhibitor 2A; minus strand). Cytogenetic location: 9p21.3.
Variant type: single nucleotide variant.
Coding change: c.84G>A on transcript NM_000077.5; coding-DNA position 84, G replaced by A.
Protein change: p.Val28=; no amino-acid change (valine 28 retained).
Molecular consequence: synonymous variant (on NM_000077.6). On other transcripts: intron variant (2).
Genome position (GRCh38, 1-based): chr9:21,974,744, C>T on the plus strand (G>A on the coding strand, the complement: CDKN2A is on the minus strand). VCF-style: chr9-21974744-C-T. GRCh37 (hg19) VCF-style: chr9-21974743-C-T.
Other names: c.84G>A, p.Val28= (NM_000077.6, NM_001195132.2, NM_058197.5); c.-3-3536G>A (NM_001363763.2); c.194-3536G>A (NM_058195.4).
Identifiers: ClinVar variation 917571 (VCV000917571.15), dbSNP rs1461154048, ClinGen allele CA464100162.
Genomic context (GRCh38, chr9:21,974,744, plus strand): 5'-CGGCCTCCGACCGTAACTATTCGGTGCGTTGGGCAGCGCCCCCGCCTCCAGCAGCGCCCG[C>T]ACCTCCTCTACCCGACCCCGGGCCGCGGCCGTGGCCAGCCAGTCAGCCGAAGGCTCCATG-3'
Protein context (NP_000068.1, residues 18-38): TAAARGRVEE[Val28=]RALLEAGALP

ClinVar aggregate classification (germline): Conflicting classifications of pathogenicity. Review status: criteria provided, conflicting classifications (1 of 4 stars). 5 submissions from 5 submitters: Uncertain significance (1); Benign (1); Likely benign (3). Last evaluated 2025-08-13.

Conditions:
Familial melanoma. Also called: Hereditary melanoma; Hereditary cutaneous melanoma. Identifiers: Orphanet 618, MedGen C1512419, MONDO:0018961.
Melanoma-pancreatic cancer syndrome. Identifiers: Orphanet 404560, MedGen C1838547, MONDO:0011713, OMIM 606719. Disease mechanism: loss of function.
Hereditary cancer-predisposing syndrome. Also called: Tumor predisposition; Neoplastic Syndromes, Hereditary; Hereditary neoplastic syndrome; Hereditary Cancer Syndrome. Identifiers: Orphanet 140162, MedGen C0027672, MeSH D009386, MONDO:0015356.

Allele frequency attached by ClinVar (database versions not stated): gnomAD exomes below 0.00001.
gnomAD v4.1: 2 of 1,612,300 alleles (0.00012%); highest among the groups gnomAD compares: South Asian, 0.0022%; no homozygotes.

Submissions (5):

Myriad Genetics, Inc.
Classification: Benign for Melanoma-pancreatic cancer syndrome. Last evaluated: 2025-08-13. Review status: criteria provided, single submitter. Criteria: Myriad Autosomal Dominant, Autosomal Recessive and X-Linked Classification Criteria (2023). Collection method: clinical testing. Allele origin: unknown.
Comment: This variant is considered benign. This variant is a silent/synonymous amino acid change and it is not expected to impact splicing.

Ambry Genetics
Classification: Uncertain significance for Hereditary cancer-predisposing syndrome. Last evaluated: 2024-01-08. Review status: criteria provided, single submitter. Criteria: Ambry Variant Classification Scheme 2023. Collection method: clinical testing. Allele origin: germline.
Comment: The c.84G>A variant (also known as p.V28V) is located in coding exon 1 of the CDKN2A gene. This variant results from a G to A substitution at nucleotide position 84. This nucleotide substitution does not change the valine at codon 28. This nucleotide position is well conserved in available vertebrate species. In silico splice site analysis predicts that this alteration may result in the creation or strengthening of a novel splice donor site; however, direct evidence is insufficient at this time (Ambry internal data). Since supporting evidence is limited at this time, the clinical significance of this alteration remains unclear.

Labcorp Genetics (formerly Invitae), Labcorp
Classification: Likely benign for Familial melanoma. Last evaluated: 2023-08-03. Review status: criteria provided, single submitter. Criteria: Invitae Variant Classification Sherloc (09022015). Collection method: clinical testing. Allele origin: germline.

Color Diagnostics, LLC DBA Color Health
Classification: Likely benign for Hereditary cancer-predisposing syndrome. Last evaluated: 2022-12-06. Review status: criteria provided, single submitter. Criteria: ACMG Guidelines, 2015. Collection method: clinical testing. Allele origin: germline.

Women's Health and Genetics/Laboratory Corporation of America, LabCorp
Classification: Likely benign. Last evaluated: 2020-01-22. Review status: criteria provided, single submitter. Criteria: LabCorp Variant Classification Summary - May 2015. Collection method: clinical testing. Allele origin: germline.